The following is an entry in ClinVar:

ClinVar aggregate classification (germline): Uncertain significance (1 of 4 stars; one submission).

Conditions:
Brugada syndrome. Also called: Sudden unexpected nocturnal death syndrome; Sudden Unexplained Death Syndrome; Sudden Unexplained Nocturnal Death Syndrome (SUNDS); Sudden unexplained nocturnal death syndrome. Identifiers: Orphanet 130, MedGen C1142166, MONDO:0015263.

Submission:

Labcorp Genetics (formerly Invitae), Labcorp
Classification: Uncertain significance for Brugada syndrome. Last evaluated: 2025-10-28. Review status: criteria provided, single submitter. Criteria: Invitae Variant Classification Sherloc (09022015). Collection method: clinical testing. Allele origin: germline.
Comment: This sequence change replaces threonine, which is neutral and polar, with serine, which is neutral and polar, at codon 1144 of the SCN10A protein (p.Thr1144Ser). This variant is not present in population databases (gnomAD no frequency). This variant has not been reported in the literature in individuals affected with SCN10A-related conditions. Invitae Evidence Modeling of protein sequence and biophysical properties (such as structural, functional, and spatial information, amino acid conservation, physicochemical variation, residue mobility, and thermodynamic stability) indicates that this missense variant is not expected to disrupt SCN10A protein function with a negative predictive value of 80%. In summary, the available evidence is currently insufficient to determine the role of this variant in disease. Therefore, it has been classified as a Variant of Uncertain Significance.

NM_006514.4(SCN10A):c.3431C>G (p.Thr1144Ser)

Genes: SCN10A (sodium voltage-gated channel alpha subunit 10; minus strand), LOC110121288 (VISTA enhancer hs2268; plus strand). Cytogenetic location: 3p22.2.
Variant type: single nucleotide variant.
Coding change: c.3431C>G on transcript NM_006514.4 (MANE Select); coding-DNA position 3431, C replaced by G.
Protein change: p.Thr1144Ser; replaces threonine 1144 with serine.
Molecular consequence: missense variant.
Genome position (GRCh38, 1-based): chr3:38,722,334, G>C on the plus strand (C>G on the coding strand, the complement: SCN10A is on the minus strand). VCF-style: chr3-38722334-G-C. GRCh37 (hg19) VCF-style: chr3-38763825-G-C.
Other names: c.3428C>G, p.Thr1143Ser (NM_001293306.2); c.3137C>G, p.Thr1046Ser (NM_001293307.2); short protein forms T1144S, T1046S, T1143S.
Identifiers: ClinVar variation 4742925 (VCV004742925.1).
Genomic context (GRCh38, chr3:38,722,334, plus strand): 5'-AGCAGGATCATGAAGATGATGAAGCTCTCAAACCAGCTGTGCTCCACGATACGGTAGCAA[G>C]TCTTGCGCACCTGCCAGCCCACATCCCATGGACTCTTGGTGGTATCCAGTTTGCAGCAGG-3'
Protein context (NP_006505.4, residues 1134-1154): PWDVGWQVRK[Thr1144Ser]CYRIVEHSWF